The following is an entry in ClinVar:

NM_000041.4(APOE):c.773G>A (p.Arg258His)

Gene: APOE (apolipoprotein E; plus strand). Cytogenetic location: 19q13.32.
Variant type: single nucleotide variant.
Coding change: c.773G>A on transcript NM_000041.4 (MANE Select); coding-DNA position 773, G replaced by A.
Protein change: p.Arg258His; replaces arginine 258 with histidine.
Molecular consequence: missense variant.
Genome position (GRCh38, 1-based): chr19:44,909,069, G>A. VCF-style: chr19-44909069-G-A. GRCh37 (hg19) VCF-style: chr19-45412326-G-A.
Other names: c.851G>A, p.Arg284His (NM_001302688.2); c.773G>A, p.Arg258His (NM_001302689.2, NM_001302690.2, NM_001302691.2); short protein forms R258H, R284H.
Identifiers: ClinVar variation 1760393 (VCV001760393.2), dbSNP rs756564996, ClinGen allele CA9506095.

ClinVar aggregate classification (germline): Uncertain significance (1 of 4 stars; one submission).

Conditions:
Cardiovascular phenotype. Identifiers: MedGen CN230736.

Allele frequency attached by ClinVar (database versions not stated): gnomAD exomes 0.00002; TOPMed 0.00003; ExAC 0.00004; gnomAD 0.00004.

Submission:

Ambry Genetics
Classification: Uncertain significance for Cardiovascular phenotype. Last evaluated: 2023-12-21. Review status: criteria provided, single submitter. Criteria: Ambry Variant Classification Scheme 2023. Collection method: clinical testing. Allele origin: germline.
Comment: The p.R258H variant (also known as c.773G>A), located in coding exon 3 of the APOE gene, results from a G to A substitution at nucleotide position 773. The arginine at codon 258 is replaced by histidine, an amino acid with highly similar properties. This amino acid position is conserved. In addition, this alteration is predicted to be tolerated by in silico analysis. Since supporting evidence is limited at this time, the clinical significance of this alteration remains unclear.